The following is an entry in ClinVar:

ClinVar aggregate classification (germline): Uncertain significance (1 of 4 stars; one submission).

Conditions:
Hereditary breast ovarian cancer syndrome. Also called: Hereditary breast and ovarian cancer syndrome; Hereditary breast and ovarian cancer syndrome (HBOC); BRCA1- and BRCA2-Associated Hereditary Breast and Ovarian Cancer; Hereditary breast and ovarian cancer; Breast and ovarian cancer; Hereditary breast and/or ovarian cancer syndrome. Identifiers: Orphanet 145, MedGen C0677776, MeSH D061325, MONDO:0003582. Disease mechanism: loss of function.

gnomAD v4.1: 1 of 1,613,934 alleles (0.000062%); highest among the groups gnomAD compares: South Asian, 0.0011%; no homozygotes.

Submission:

Labcorp Genetics (formerly Invitae), Labcorp
Classification: Uncertain significance for Hereditary breast ovarian cancer syndrome. Last evaluated: 2024-03-20. Review status: criteria provided, single submitter. Criteria: Invitae Variant Classification Sherloc (09022015). Collection method: clinical testing. Allele origin: germline.
Comment: This sequence change replaces aspartic acid, which is acidic and polar, with asparagine, which is neutral and polar, at codon 3042 of the BRCA2 protein (p.Asp3042Asn). This variant is not present in population databases (gnomAD no frequency). This missense change has been observed in individual(s) with breast and/or ovarian cancer (PMID: 32438681). Advanced modeling of protein sequence and biophysical properties (such as structural, functional, and spatial information, amino acid conservation, physicochemical variation, residue mobility, and thermodynamic stability) performed at Invitae indicates that this missense variant is not expected to disrupt BRCA2 protein function with a negative predictive value of 95%. Algorithms developed to predict the effect of sequence changes on RNA splicing suggest that this variant may create or strengthen a splice site. In summary, the available evidence is currently insufficient to determine the role of this variant in disease. Therefore, it has been classified as a Variant of Uncertain Significance.

Literature cited by the submitters: PubMed 32438681.

NM_000059.4(BRCA2):c.9124G>A (p.Asp3042Asn)

Gene: BRCA2 (BRCA2 DNA repair associated; plus strand). Cytogenetic location: 13q13.1.
Variant type: single nucleotide variant.
Coding change: c.9124G>A on transcript NM_000059.4 (MANE Select); coding-DNA position 9124, G replaced by A.
Protein change: p.Asp3042Asn; replaces aspartic acid 3042 with asparagine.
Molecular consequence: missense variant. On other transcripts: non-coding transcript variant (1).
Genome position (GRCh38, 1-based): chr13:32,380,013, G>A. VCF-style: chr13-32380013-G-A. GRCh37 (hg19) VCF-style: chr13-32954150-G-A.
Other names: c.9028G>A, p.Asp3010Asn (NM_001406719.1); c.4192G>A, p.Asp1398Asn (NM_001406721.1); c.2707G>A, p.Asp903Asn (NM_001406722.1); c.9073G>A, p.Asp3025Asn (NM_001406720.1); c.9124G>A, p.Asp3042Asn (NM_001432077.1); short protein forms D1398N, D3042N, D3010N, D903N, D3025N.
Identifiers: ClinVar variation 3636555 (VCV003636555.2).
Genomic context (GRCh38, chr13:32,380,013, plus strand): 5'-GCTTGTTAGTTTATGGAATCTCCATATGTTGAATTTTTGTTTTGTTTTCTGTAGGTTTCA[G>A]ATGAAATTTTATTTCAGATTTACCAGCCACGGGAGCCCCTTCACTTCAGCAAATTTTTAG-3'
Protein context (NP_000050.3, residues 3032-3052): KTQYQQLPVS[Asp3042Asn]EILFQIYQPR